The following is an entry in ClinVar:

NM_001114753.3(ENG):c.924_927dup (p.Ile310fs)

Gene: ENG (endoglin; minus strand). Cytogenetic location: 9q34.11.
Variant type: Duplication.
Coding change: c.924_927dup on transcript NM_001114753.3 (MANE Select); coding-DNA positions 924 to 927, 4 bases duplicated (CAGC; older notation c.924_927dupCAGC).
Protein change: p.Ile310fs; shifts the reading frame from isoleucine 310.
Molecular consequence: frameshift variant.
Genome position (GRCh38, 1-based): chr9:127,824,864-127,824,867, GCTG duplicated on the plus strand (CAGC on the coding strand, the reverse complement: ENG is on the minus strand); duplicating any 4 consecutive bases within chr9:127,824,864-127,824,869 gives the same sequence; the c. name uses the placement nearest the transcript's 3' end. VCF-style (leftmost placement, unchanged base first): chr9-127824863-T-TGCTG. GRCh37 (hg19) VCF-style: chr9-130587142-T-TGCTG.
Other names: c.922_925dup, p.Ile310Glnfs (NM_000118.4, NM_001406715.1); c.378_381dup, p.Ile128fs (NM_001278138.2); short protein forms I128fs, I310fs.
Identifiers: ClinVar variation 2076499 (VCV002076499.4), dbSNP rs2539072878, ClinGen allele CA2580079635.

ClinVar aggregate classification (germline): Pathogenic (1 of 4 stars; one submission).

Conditions:
Hereditary hemorrhagic telangiectasia (HHT). Also called: ORW DISEASE; Osler Weber Rendu syndrome; OSLER-RENDU-WEBER DISEASE; Osler hemorrhagic telangiectasia syndrome. Identifiers: Orphanet 774, MedGen C0039445, MONDO:0019180. Disease mechanism: loss of function.

Submission:

Labcorp Genetics (formerly Invitae), Labcorp
Classification: Pathogenic for Hereditary hemorrhagic telangiectasia. Last evaluated: 2025-09-28. Review status: criteria provided, single submitter. Criteria: Invitae Variant Classification Sherloc (09022015). Collection method: clinical testing. Allele origin: germline.
Comment: This sequence change creates a premature translational stop signal (p.Ile310Glnfs*25) in the ENG gene. It is expected to result in an absent or disrupted protein product. Loss-of-function variants in ENG are known to be pathogenic (PMID: 15879500). This variant is not present in population databases (gnomAD no frequency). This variant has not been reported in the literature in individuals affected with ENG-related conditions. ClinVar contains an entry for this variant (Variation ID: 2076499). For these reasons, this variant has been classified as Pathogenic.

Literature cited by the submitters: PubMed 15879500.